The following is an entry in ClinVar:

NM_005027.4(PIK3R2):c.2111A>G (p.His704Arg)

Gene: PIK3R2 (phosphoinositide-3-kinase regulatory subunit 2; plus strand). Cytogenetic location: 19p13.11.
Variant type: single nucleotide variant.
Coding change: c.2111A>G on transcript NM_005027.4 (MANE Select); coding-DNA position 2111, A replaced by G.
Protein change: p.His704Arg; replaces histidine 704 with arginine.
Molecular consequence: missense variant. On other transcripts: non-coding transcript variant (2).
Genome position (GRCh38, 1-based): chr19:18,169,218, A>G. VCF-style: chr19-18169218-A-G. GRCh37 (hg19) VCF-style: chr19-18280028-A-G.
Other names: short protein forms H704R.
Identifiers: ClinVar variation 2444849 (VCV002444849.1), dbSNP rs2147960781, ClinGen allele CA404817250.

ClinVar aggregate classification (germline): Uncertain significance (1 of 4 stars; one submission).

Submission:

GeneDx
Classification: Uncertain significance. Last evaluated: 2022-09-16. Review status: criteria provided, single submitter. Criteria: GeneDx Variant Classification Process June 2021. Collection method: clinical testing. Allele origin: germline. Affected: yes.
Comment: Not observed at significant frequency in large population cohorts (gnomAD); In silico analysis supports that this missense variant has a deleterious effect on protein structure/function; Has not been previously published as pathogenic or benign to our knowledge